The following is an entry in ClinVar:

ClinVar aggregate classification (germline): Pathogenic/Likely pathogenic. Review status: criteria provided, multiple submitters, no conflicts (2 of 4 stars). 4 submissions from 4 submitters: Pathogenic (2); Likely pathogenic (2). Last evaluated 2025-08-14.

Conditions:
Joubert syndrome. Also called: CEREBELLOPARENCHYMAL DISORDER IV; JOUBERT-BOLTSHAUSER SYNDROME; Familial aplasia of the vermis. Identifiers: Orphanet 475, MedGen C5979921, MONDO:0018772.
Joubert syndrome 3 (JBTS3). Also called: AHI1-related Ciliopathy. Identifiers: Orphanet 220493, MedGen C1837713, MONDO:0012078, OMIM 608629.

Submissions (4):

Labcorp Genetics (formerly Invitae), Labcorp
Classification: Pathogenic for Joubert syndrome. Last evaluated: 2025-08-14. Review status: criteria provided, single submitter. Criteria: Invitae Variant Classification Sherloc (09022015). Collection method: clinical testing. Allele origin: germline.
Comment: This sequence change creates a premature translational stop signal (p.Asn1020Lysfs*28) in the AHI1 gene. It is expected to result in an absent or disrupted protein product. Loss-of-function variants in AHI1 are known to be pathogenic (PMID: 15322546, 16453322, 28442542, 29186038). This variant is present in population databases (no rsID available, gnomAD 0.006%). This variant has not been reported in the literature in individuals affected with AHI1-related conditions. ClinVar contains an entry for this variant (Variation ID: 1322959). For these reasons, this variant has been classified as Pathogenic.

Fulgent Genetics
Classification: Likely pathogenic for Joubert syndrome 3. Last evaluated: 2024-03-25. Review status: criteria provided, single submitter. Criteria: ACMG Guidelines, 2015. Collection method: clinical testing. Allele origin: germline.

AiLife Diagnostics
Classification: Likely pathogenic. Last evaluated: 2021-06-25. Review status: criteria provided, single submitter. Criteria: ACMG Guidelines, 2015. Collection method: clinical testing. Allele origin: germline. Affected: yes. Observed: 1 variant allele.

Revvity Omics, Revvity
Classification: Pathogenic for Joubert syndrome 3. Last evaluated: 2019-11-08. Review status: criteria provided, single submitter. Criteria: ACMG Guidelines, 2015. Collection method: clinical testing. Allele origin: germline.

Literature cited by the submitters: PubMed 15322546 (cited by Labcorp Genetics (formerly Invitae), Labcorp); PubMed 16453322 (cited by Labcorp Genetics (formerly Invitae), Labcorp); PubMed 28442542 (cited by Labcorp Genetics (formerly Invitae), Labcorp); PubMed 29186038 (cited by Labcorp Genetics (formerly Invitae), Labcorp).

NM_001134831.2(AHI1):c.3059dup (p.Asn1020fs)

Gene: AHI1 (Abelson helper integration site 1; minus strand). Cytogenetic location: 6q23.3.
Variant type: Duplication.
Coding change: c.3059dup on transcript NM_001134831.2 (MANE Select); coding-DNA position 3059, one base duplicated (A; older notation c.3059dupA).
Protein change: p.Asn1020fs; shifts the reading frame from asparagine 1020.
Molecular consequence: frameshift variant.
Genome position (GRCh38, 1-based): chr6:135,394,826, T duplicated on the plus strand (A on the coding strand, the reverse complement: AHI1 is on the minus strand); the first of 3 consecutive T bases (chr6:135,394,826-135,394,828); duplicating any one gives the same sequence. VCF-style (leftmost placement, unchanged base first): chr6-135394825-G-GT. GRCh37 (hg19) VCF-style: chr6-135715963-G-GT.
Other names: c.3059dup, p.Asn1020fs (NM_001134830.2, NM_001134832.2, NM_001350503.2 and 2 more transcripts); short protein forms N1020fs.
Identifiers: ClinVar variation 1322959 (VCV001322959.12), dbSNP rs1463748841, ClinGen allele CA570710851.
Genomic context (GRCh38, chr6:135,394,825, plus strand): 5'-AAGGGGCTCACCGGTCTGAGTGAAACCAAACTGATGTAGAATCTCTTGAGCGGTCAGCAT[G>GT]TTTGACTGCTTTAACTTAGACTGTTGTGAGGAAACTGCTGGTGGTGAAGTAAATGAGAGA-3'